The following is an entry in ClinVar:

ClinVar aggregate classification (germline): Uncertain significance. Review status: criteria provided, multiple submitters, no conflicts (2 of 4 stars). 3 submissions from 3 submitters: Uncertain significance (3). Last evaluated 2024-10-24.

Conditions:
Inborn genetic diseases. Identifiers: MedGen C0950123, MeSH D030342.

Allele frequency attached by ClinVar (database versions not stated): gnomAD exomes 0.00001 and 0.00006; ExAC 0.00009; gnomAD 0.00013 and 0.00014; TOPMed 0.00016; ESP Exome Variant Server 0.00031.

Submissions (3):

Labcorp Genetics (formerly Invitae), Labcorp
Classification: Uncertain significance. Last evaluated: 2024-10-24. Review status: criteria provided, single submitter. Criteria: Invitae Variant Classification Sherloc (09022015). Collection method: clinical testing. Allele origin: germline.
Comment: This sequence change replaces lysine, which is basic and polar, with arginine, which is basic and polar, at codon 174 of the TRAF3IP1 protein (p.Lys174Arg). This variant is present in population databases (rs140920140, gnomAD 0.05%). This variant has not been reported in the literature in individuals affected with TRAF3IP1-related conditions. ClinVar contains an entry for this variant (Variation ID: 1060617). Invitae Evidence Modeling of protein sequence and biophysical properties (such as structural, functional, and spatial information, amino acid conservation, physicochemical variation, residue mobility, and thermodynamic stability) indicates that this missense variant is not expected to disrupt TRAF3IP1 protein function with a negative predictive value of 80%. In summary, the available evidence is currently insufficient to determine the role of this variant in disease. Therefore, it has been classified as a Variant of Uncertain Significance.

Mayo Clinic Laboratories, Mayo Clinic
Classification: Uncertain significance. Last evaluated: 2023-10-13. Review status: criteria provided, single submitter. Criteria: ACMG Guidelines, 2015. Collection method: clinical testing. Allele origin: germline. Observed: 1 variant allele.
Comment: BP4

Ambry Genetics
Classification: Uncertain significance for Inborn genetic diseases. Last evaluated: 2023-05-03. Review status: criteria provided, single submitter. Criteria: Ambry Variant Classification Scheme 2023. Collection method: clinical testing. Allele origin: germline.

NM_015650.4(TRAF3IP1):c.521A>G (p.Lys174Arg)

Gene: TRAF3IP1 (TRAF3 interacting protein 1; plus strand). Cytogenetic location: 2q37.3.
Variant type: single nucleotide variant.
Coding change: c.521A>G on transcript NM_015650.4 (MANE Select); coding-DNA position 521, A replaced by G.
Protein change: p.Lys174Arg; replaces lysine 174 with arginine.
Molecular consequence: missense variant.
Genome position (GRCh38, 1-based): chr2:238,328,948, A>G. VCF-style: chr2-238328948-A-G. GRCh37 (hg19) VCF-style: chr2-239237589-A-G.
Other names: p.Lys174Arg; c.521A>G, p.Lys174Arg (NM_001139490.1); c.521A>G (NM_015650.3); short protein forms K174R.
Identifiers: ClinVar variation 1060617 (VCV001060617.7), dbSNP rs140920140, ClinGen allele CA2198094.